The following is an entry in ClinVar:

NM_020806.5(GPHN):c.1243G>T (p.Asp415Tyr)

Gene: GPHN (gephyrin; plus strand). Cytogenetic location: 14q23.3.
Variant type: single nucleotide variant.
Coding change: c.1243G>T on transcript NM_020806.5 (MANE Select); coding-DNA position 1243, G replaced by T.
Protein change: p.Asp415Tyr; replaces aspartic acid 415 with tyrosine.
Molecular consequence: missense variant.
Genome position (GRCh38, 1-based): chr14:67,100,861, G>T. VCF-style: chr14-67100861-G-T. GRCh37 (hg19) VCF-style: chr14-67567578-G-T.
Other names: c.1144G>T, p.Asp382Tyr (NM_001024218.2); c.1303G>T, p.Asp435Tyr (NM_001377514.1); c.1273G>T, p.Asp425Tyr (NM_001377515.1); c.1264G>T, p.Asp422Tyr (NM_001377516.1); c.1216G>T, p.Asp406Tyr (NM_001377517.1); c.1201G>T, p.Asp401Tyr (NM_001377518.1); c.1183G>T, p.Asp395Tyr (NM_001377519.1); short protein forms D415Y, D382Y, D395Y, D401Y, D406Y, D422Y, D425Y, D435Y.
Identifiers: ClinVar variation 574064 (VCV000574064.8), dbSNP rs1567331787, ClinGen allele CA390257663.
Genomic context (GRCh38, chr14:67,100,861, plus strand): 5'-TTCCATGCTGTAGGTCCATACTGATGTTTGTTCTTGGCTCTGTTCCATCTCACAGCTGCT[G>T]ATGGCCCAGGAGATCGTTTCATCATTGGGGAATCCCAAGCTGGTGAACAGGTGAGATTGA-3'
Protein context (NP_065857.1, residues 405-425): VKDGYAVRAA[Asp415Tyr]GPGDRFIIGE

ClinVar aggregate classification (germline): Uncertain significance (1 of 4 stars; one submission).

Conditions:
Sulfite oxidase deficiency due to molybdenum cofactor deficiency type C. Also called: Molybdenum cofactor deficiency, complementation group C; Molybdenum cofactor deficiency C. Identifiers: Orphanet 308400, Orphanet 833, MedGen C1854990, MONDO:0014212, OMIM 615501.

Submission:

Labcorp Genetics (formerly Invitae), Labcorp
Classification: Uncertain significance for Sulfite oxidase deficiency due to molybdenum cofactor deficiency type C. Last evaluated: 2018-04-18. Review status: criteria provided, single submitter. Criteria: Invitae Variant Classification Sherloc (09022015). Collection method: clinical testing. Allele origin: germline.
Comment: This variant is not present in population databases (ExAC no frequency). In summary, the available evidence is currently insufficient to determine the role of this variant in disease. Therefore, it has been classified as a Variant of Uncertain Significance. Algorithms developed to predict the effect of missense changes on protein structure and function do not agree on the potential impact of this missense change (SIFT: "Deleterious"; PolyPhen-2: "Probably Damaging"; Align-GVGD: "Class C0"). This variant has not been reported in the literature in individuals with GPHN-related disease. This sequence change replaces aspartic acid with tyrosine at codon 415 of the GPHN protein (p.Asp415Tyr). The aspartic acid residue is highly conserved and there is a large physicochemical difference between aspartic acid and tyrosine.